The following is an entry in ClinVar:

ClinVar aggregate classification (germline): Uncertain significance. Review status: criteria provided, multiple submitters, no conflicts (2 of 4 stars). 2 submissions from 2 submitters: Uncertain significance (2). Last evaluated 2025-12-15.

Conditions:
Microcephaly, normal intelligence and immunodeficiency (NBS). Also called: Ataxia telangiectasia variant V1; Immunodeficiency, microcephaly with normal intelligence; Nijmegen breakage syndrome; Microcephaly with normal intelligence immunodeficiency and lymphoreticular malignancies; Nonsyndromal microcephaly autosomal recessive with normal intelligence; Seemanova syndrome 2. Identifiers: Orphanet 647, MedGen C0398791, MONDO:0009623, OMIM 251260.
Hereditary cancer-predisposing syndrome. Also called: Neoplastic Syndromes, Hereditary; Hereditary neoplastic syndrome; Tumor predisposition; Hereditary Cancer Syndrome. Identifiers: Orphanet 140162, MedGen C0027672, MeSH D009386, MONDO:0015356.

gnomAD v4.1: 1 of 1,613,410 alleles (0.000062%); highest among the groups gnomAD compares: Non-Finnish European, 0.000085%; no homozygotes.

Submissions (2):

Ambry Genetics
Classification: Uncertain significance for Hereditary cancer-predisposing syndrome. Last evaluated: 2025-12-15. Review status: criteria provided, single submitter. Criteria: Ambry Variant Classification Scheme 2023. Collection method: clinical testing. Allele origin: germline.
Comment: The p.P495R variant (also known as c.1484C>G), located in coding exon 11 of the NBN gene, results from a C to G substitution at nucleotide position 1484. The proline at codon 495 is replaced by arginine, an amino acid with dissimilar properties. This amino acid position is well conserved in available vertebrate species. In addition, this alteration is predicted to be tolerated by in silico analysis. Since supporting evidence is limited at this time, the clinical significance of this alteration remains unclear.

Labcorp Genetics (formerly Invitae), Labcorp
Classification: Uncertain significance for Microcephaly, normal intelligence and immunodeficiency. Last evaluated: 2018-11-21. Review status: criteria provided, single submitter. Criteria: Invitae Variant Classification Sherloc (09022015). Collection method: clinical testing. Allele origin: germline.
Comment: In summary, the available evidence is currently insufficient to determine the role of this variant in disease. Therefore, it has been classified as a Variant of Uncertain Significance. Algorithms developed to predict the effect of missense changes on protein structure and function are either unavailable or do not agree on the potential impact of this missense change (SIFT: "Tolerated"; PolyPhen-2: "Probably Damaging"; Align-GVGD: "Class C0"). This variant has not been reported in the literature in individuals with NBN-related disease. This variant is not present in population databases (ExAC no frequency). This sequence change replaces proline with arginine at codon 495 of the NBN protein (p.Pro495Arg). The proline residue is weakly conserved and there is a moderate physicochemical difference between proline and arginine.

NM_002485.5(NBN):c.1484C>G (p.Pro495Arg)

Gene: NBN (nibrin; minus strand). Cytogenetic location: 8q21.3.
Variant type: single nucleotide variant.
Coding change: c.1484C>G on transcript NM_002485.5 (MANE Select); coding-DNA position 1484, C replaced by G.
Protein change: p.Pro495Arg; replaces proline 495 with arginine.
Molecular consequence: missense variant.
Genome position (GRCh38, 1-based): chr8:89,953,605, G>C on the plus strand (C>G on the coding strand, the complement: NBN is on the minus strand). VCF-style: chr8-89953605-G-C. GRCh37 (hg19) VCF-style: chr8-90965833-G-C.
Other names: c.1238C>G, p.Pro413Arg (NM_001024688.3); short protein forms P413R, P495R.
Identifiers: ClinVar variation 661482 (VCV000661482.12), dbSNP rs863224714, ClinGen allele CA371655759.